The following is an entry in ClinVar:

ClinVar aggregate classification (germline): Uncertain significance (1 of 4 stars; one submission).

Conditions:
Inborn genetic diseases. Identifiers: MedGen C0950123, MeSH D030342.

Submission:

Ambry Genetics
Classification: Uncertain significance for Inborn genetic diseases. Last evaluated: 2022-10-06. Review status: criteria provided, single submitter. Criteria: Ambry Variant Classification Scheme 2023. Collection method: clinical testing. Allele origin: germline.
Comment: The c.5678C>A (p.T1893N) alteration is located in exon 28 (coding exon 26) of the SCN3A gene. This alteration results from a C to A substitution at nucleotide position 5678, causing the threonine (T) at amino acid position 1893 to be replaced by an asparagine (N). This variant was not reported in population-based cohorts in the Genome Aggregation Database (gnomAD). This amino acid position is highly conserved in available vertebrate species. The in silico prediction for this alteration is inconclusive. Based on insufficient or conflicting evidence, the clinical significance of this alteration remains unclear.

NM_006922.4(SCN3A):c.5678C>A (p.Thr1893Asn)

Gene: SCN3A (sodium voltage-gated channel alpha subunit 3; minus strand). Cytogenetic location: 2q24.3.
Variant type: single nucleotide variant.
Coding change: c.5678C>A on transcript NM_006922.4 (MANE Select); coding-DNA position 5678, C replaced by A.
Protein change: p.Thr1893Asn; replaces threonine 1893 with asparagine.
Molecular consequence: missense variant.
Genome position (GRCh38, 1-based): chr2:165,090,475, G>T on the plus strand (C>A on the coding strand, the complement: SCN3A is on the minus strand). VCF-style: chr2-165090475-G-T. GRCh37 (hg19) VCF-style: chr2-165946985-G-T.
Other names: c.5531C>A, p.Thr1844Asn (NM_001081676.2, NM_001081677.2); short protein forms T1893N, T1844N.
Identifiers: ClinVar variation 2317413 (VCV002317413.2), dbSNP rs945486162, ClinGen allele CA349010301.